The following is an entry in ClinVar:

ClinVar aggregate classification (germline): Likely pathogenic (1 of 4 stars; one submission).

Conditions:
Microphthalmia, syndromic 12 (MCOPS12). Also called: MICROPHTHALMIA WITH OR WITHOUT PULMONARY HYPOPLASIA, DIAPHRAGMATIC HERNIA, AND/OR CARDIAC DEFECTS. Identifiers: Orphanet 2470, Orphanet 689829, MedGen C3809803, MONDO:0014229, OMIM 615524.

Submission:

Victorian Clinical Genetics Services, Murdoch Childrens Research Institute
Classification: Likely pathogenic for Microphthalmia, syndromic 12. Last evaluated: 2018-11-30. Review status: criteria provided, single submitter. Criteria: ACMG Guidelines, 2015. Collection method: clinical testing. Allele origin: de novo. Affected: yes. Observed: 1 variant allele.
Comment: A heterozygous missense variant, NM_000965.4(RARB):c.835T>G, has been identified in exon 6 of 8 of the RARB gene. NB: This variant is non-coding in one alternative transcript. The variant is predicted to result in a minor amino acid change from phenylalanine to valine at position 279 of the protein (NP_000956.2(RARB):p.(Phe279Val)). The phenylalanine residue at this position has very high conservation (100 vertebrates, UCSC), and is located on one of the ligant binding sites that is highly intolerant for missenses of the ligant binding domain. In silico predictions for this variant are consistently pathogenic (Polyphen, SIFT, CADD, Mutation Taster). The variant is absent in population databases (gnomAD, dbSNP, 1000G) and has not been previously reported in clinical cases. Analysis of parental samples indicates this variant to be de novo. Based on the information available at the time of curation, this variant has been classified as LIKELY PATHOGENIC.

NM_000965.5(RARB):c.835T>G (p.Phe279Val)

Gene: RARB (retinoic acid receptor beta; plus strand). Cytogenetic location: 3p24.2.
Variant type: single nucleotide variant.
Coding change: c.835T>G on transcript NM_000965.5 (MANE Select); coding-DNA position 835, T replaced by G.
Protein change: p.Phe279Val; replaces phenylalanine 279 with valine.
Molecular consequence: missense variant. On other transcripts: non-coding transcript variant (1), intron variant (1).
Genome position (GRCh38, 1-based): chr3:25,593,551, T>G. VCF-style: chr3-25593551-T-G. GRCh37 (hg19) VCF-style: chr3-25635042-T-G.
Other names: c.856T>G, p.Phe286Val (NM_001290216.3); c.499T>G, p.Phe167Val (NM_001290217.2, NM_001290276.2, NM_016152.4); c.688T>G, p.Phe230Val (NM_001290266.2); c.706T>G, p.Phe236Val (NM_001290300.2); c.787-90T>G (NM_001290277.1); short protein forms F230V, F279V, F167V, F236V, F286V.
Identifiers: ClinVar variation 870386 (VCV000870386.2), dbSNP rs1701696937, ClinGen allele CA351886271.